The following is an entry in ClinVar:

ClinVar aggregate classification (germline): Likely benign (1 of 4 stars; one submission).

Submission:

CeGaT Center for Human Genetics Tuebingen
Classification: Likely benign. Last evaluated: 2023-08-01. Review status: criteria provided, single submitter. Criteria: CeGaT Center For Human Genetics Tuebingen Variant Classification Criteria Version 2. Collection method: clinical testing. Allele origin: germline. Affected: yes. Observed: 1 variant allele.
Comment: NOVA2: PM2:Supporting, BP4, BP7

NM_002516.4(NOVA2):c.204C>A (p.Leu68=)

Gene: NOVA2 (NOVA alternative splicing regulator 2; minus strand). Cytogenetic location: 19q13.32.
Variant type: single nucleotide variant.
Coding change: c.204C>A on transcript NM_002516.4 (MANE Select); coding-DNA position 204, C replaced by A.
Protein change: p.Leu68=; no amino-acid change (leucine 68 retained).
Molecular consequence: synonymous variant.
Genome position (GRCh38, 1-based): chr19:45,961,035, G>T on the plus strand (C>A on the coding strand, the complement: NOVA2 is on the minus strand). VCF-style: chr19-45961035-G-T. GRCh37 (hg19) VCF-style: chr19-46464293-G-T.
Identifiers: ClinVar variation 2650139 (VCV002650139.24), dbSNP rs2513865794, ClinGen allele CA507830581.
Genomic context (GRCh38, chr19:45,961,035, plus strand): 5'-GGGGGCCTAGGGCAGAGACCTGGGCCGGGGCTCACCGGGGTAGAAGTCTTTGGACTTGGA[G>T]AGCTTGATGGTGGCTCCGGTCTCCTTCTGCAGCTGCACGATGGTCTGCCCGCCCTTGCCA-3'
Protein context (NP_002507.1, residues 58-78): LQKETGATIK[Leu68=]SKSKDFYPGT